The following is an entry in ClinVar:

NM_001042472.3(ABHD12):c.951-1G>A

Gene: ABHD12 (abhydrolase domain containing 12, lysophospholipase; minus strand). Cytogenetic location: 20p11.21.
Variant type: single nucleotide variant.
Coding change: c.951-1G>A on transcript NM_001042472.3 (MANE Select); the canonical splice acceptor site of the intron before coding-DNA position 951, G replaced by A.
Molecular consequence: splice acceptor variant.
Genome position (GRCh38, 1-based): chr20:25,303,629, C>T on the plus strand (G>A on the coding strand, the complement: ABHD12 is on the minus strand). VCF-style: chr20-25303629-C-T. GRCh37 (hg19) VCF-style: chr20-25284265-C-T.
Other names: c.951-1G>A (NM_015600.5).
Identifiers: ClinVar variation 1472080 (VCV001472080.8), dbSNP rs2145920950, ClinGen allele CA408455340.
Genomic context (GRCh38, chr20:25,303,629, plus strand): 5'-GGCACCACCGGGTCGTCCTCAGCGTGCAGGATGAGCAGGGGACAGGAGATGTGCTTCACG[C>T]TGTAGGAGGGAGAAGGGGCTAGACCAAGACCAGGGAAAGGGCAGAGTTGCCCAGACCCTC-3'

ClinVar aggregate classification (germline): Likely pathogenic (1 of 4 stars; one submission).

Allele frequency attached by ClinVar (database versions not stated): gnomAD exomes below 0.00001.
gnomAD v4.1: 1 of 1,613,630 alleles (0.000062%); highest among the groups gnomAD compares: African/African-American, 0.0013%; no homozygotes.

Submission:

Labcorp Genetics (formerly Invitae), Labcorp
Classification: Likely pathogenic. Last evaluated: 2022-09-12. Review status: criteria provided, single submitter. Criteria: Invitae Variant Classification Sherloc (09022015). Collection method: clinical testing. Allele origin: germline.
Comment: This sequence change affects an acceptor splice site in intron 10 of the ABHD12 gene. It is expected to disrupt RNA splicing. Variants that disrupt the donor or acceptor splice site typically lead to a loss of protein function (PMID: 16199547), and loss-of-function variants in ABHD12 are known to be pathogenic (PMID: 20797687). This variant is not present in population databases (gnomAD no frequency). In summary, the currently available evidence indicates that the variant is pathogenic, but additional data are needed to prove that conclusively. Therefore, this variant has been classified as Likely Pathogenic. This variant has not been reported in the literature in individuals affected with ABHD12-related conditions. ClinVar contains an entry for this variant (Variation ID: 1472080). Algorithms developed to predict the effect of sequence changes on RNA splicing suggest that this variant may disrupt the consensus splice site.

Literature cited by the submitters: PubMed 16199547; PubMed 20797687.